The following is an entry in ClinVar:

ClinVar aggregate classification (germline): Likely pathogenic (1 of 4 stars; one submission).

Conditions:
Jeune thoracic dystrophy. Also called: Jeune syndrome; Infantile thoracic dystrophy; Thoracic pelvic phalangeal dystrophy; Jeune's syndrome; Chondroectodermal dysplasia-like syndrome; Short-rib thoracic dysplasia. Identifiers: Orphanet 474, MedGen C0265275, MONDO:0018770.

Submission:

Labcorp Genetics (formerly Invitae), Labcorp
Classification: Likely pathogenic for Jeune thoracic dystrophy. Last evaluated: 2024-11-07. Review status: criteria provided, single submitter. Criteria: Invitae Variant Classification Sherloc (09022015). Collection method: clinical testing. Allele origin: germline.
Comment: This sequence change affects an acceptor splice site in intron 15 of the IFT80 gene. It is expected to disrupt RNA splicing. Variants that disrupt the donor or acceptor splice site typically lead to a loss of protein function (PMID: 16199547), and loss-of-function variants in IFT80 are known to be pathogenic (PMID: 21227999, 23339108, 29068549). This variant is not present in population databases (gnomAD no frequency). This variant has not been reported in the literature in individuals affected with IFT80-related conditions. Algorithms developed to predict the effect of sequence changes on RNA splicing suggest that this variant may disrupt the consensus splice site. In summary, the currently available evidence indicates that the variant is pathogenic, but additional data are needed to prove that conclusively. Therefore, this variant has been classified as Likely Pathogenic.

Literature cited by the submitters: PubMed 16199547; PubMed 21227999; PubMed 23339108; PubMed 29068549.

NM_020800.3(IFT80):c.1665-1G>C

Genes: TRIM59-IFT80 (TRIM59-IFT80 readthrough (NMD candidate); minus strand), IFT80 (intraflagellar transport 80; minus strand). Cytogenetic location: 3q25.33.
Variant type: single nucleotide variant.
Coding change: c.1665-1G>C on transcript NM_020800.3 (MANE Select); the canonical splice acceptor site of the intron before coding-DNA position 1665, G replaced by C.
Molecular consequence: splice acceptor variant.
Genome position (GRCh38, 1-based): chr3:160,279,365, C>G on the plus strand (G>C on the coding strand, the complement: IFT80 is on the minus strand). VCF-style: chr3-160279365-C-G. GRCh37 (hg19) VCF-style: chr3-159997153-C-G.
Other names: c.1254-1G>C (NM_001190241.2, NM_001190242.2).
Identifiers: ClinVar variation 3724852 (VCV003724852.2).